The following is an entry in ClinVar:

ClinVar aggregate classification (germline): Uncertain significance (1 of 4 stars; one submission).

Conditions:
Adams-Oliver syndrome 5 (AOS5). Identifiers: Orphanet 974, MedGen C4014970, MONDO:0014459, OMIM 616028.

Submission:

Baylor Genetics
Classification: Uncertain significance for Adams-Oliver syndrome 5. Last evaluated: 2020-08-03. Review status: criteria provided, single submitter. Criteria: ACMG Guidelines, 2015. Collection method: clinical testing. Allele origin: unknown. Affected: yes.
Comment: This variant was determined to be of uncertain significance according to ACMG Guidelines, 2015 [PMID:25741868].

NM_017617.5(NOTCH1):c.5384+3G>C

Gene: NOTCH1 (notch receptor 1; minus strand). Cytogenetic location: 9q34.3.
Variant type: single nucleotide variant.
Coding change: c.5384+3G>C on transcript NM_017617.5 (MANE Select); 3 bases into the intron after coding-DNA position 5384, G replaced by C.
Molecular consequence: intron variant.
Genome position (GRCh38, 1-based): chr9:136,502,269, C>G on the plus strand (G>C on the coding strand, the complement: NOTCH1 is on the minus strand). VCF-style: chr9-136502269-C-G. GRCh37 (hg19) VCF-style: chr9-139396721-C-G.
Identifiers: ClinVar variation 1029626 (VCV001029626.1), dbSNP rs1843010026, ClinGen allele CA2499219791.